The following is an entry in ClinVar:

ClinVar aggregate classification (germline): Likely pathogenic (1 of 4 stars; one submission).

Conditions:
Gastrointestinal stromal tumor. Also called: Gastrointestinal stroma tumor; Gastrointestinal stromal tumor, somatic. Identifiers: Orphanet 44890, MedGen C0238198, MeSH D046152, MONDO:0011719, OMIM 606764, HP:0100723.

Submission:

Labcorp Genetics (formerly Invitae), Labcorp
Classification: Likely pathogenic for Gastrointestinal stromal tumor. Last evaluated: 2022-04-22. Review status: criteria provided, single submitter. Criteria: Invitae Variant Classification Sherloc (09022015). Collection method: clinical testing. Allele origin: germline.
Comment: This sequence change affects a donor splice site in intron 9 of the KIT gene. It is expected to disrupt RNA splicing. Variants that disrupt the donor or acceptor splice site typically lead to a loss of protein function (PMID: 16199547), and loss-of-function variants in KIT are known to be pathogenic (PMID: 15194144). This variant is not present in population databases (gnomAD no frequency). This variant has not been reported in the literature in individuals affected with KIT-related conditions. Algorithms developed to predict the effect of sequence changes on RNA splicing suggest that this variant may disrupt the consensus splice site. In summary, the currently available evidence indicates that the variant is pathogenic, but additional data are needed to prove that conclusively. Therefore, this variant has been classified as Likely Pathogenic.

Literature cited by the submitters: PubMed 16199547; PubMed 15194144.

NM_000222.3(KIT):c.1540+1G>T

Gene: KIT (KIT proto-oncogene, receptor tyrosine kinase; plus strand). Cytogenetic location: 4q12.
Variant type: single nucleotide variant.
Coding change: c.1540+1G>T on transcript NM_000222.3 (MANE Select); the canonical splice donor site of the intron after coding-DNA position 1540, G replaced by T.
Molecular consequence: splice donor variant. On other transcripts: intron variant (4).
Genome position (GRCh38, 1-based): chr4:54,726,051, G>T. VCF-style: chr4-54726051-G-T. GRCh37 (hg19) VCF-style: chr4-55592217-G-T.
Other names: c.1543+1G>T (NM_001385284.1, NM_001385290.1); c.1531+13G>T (NM_001385288.1, NM_001385292.1); c.1540+1G>T (NM_001385285.1); c.1528+13G>T (NM_001093772.2, NM_001385286.1).
Identifiers: ClinVar variation 2129188 (VCV002129188.4), dbSNP rs2109769912, ClinGen allele CA356906772.